The following is an entry in ClinVar:

ClinVar aggregate classification (germline): Conflicting classifications of pathogenicity. Review status: criteria provided, conflicting classifications (1 of 4 stars). 3 submissions from 3 submitters: Uncertain significance (2); Benign (1). Last evaluated 2026-04-30.

Conditions:
FOXC1-related disorder. Also called: FOXC1-related condition.
Axenfeld-Rieger syndrome type 3 (RIEG3). Also called: AXENFELD-RIEGER ANOMALY WITH CARDIAC DEFECTS AND/OR SENSORINEURAL HEARING LOSS. Identifiers: Orphanet 782, MedGen C2678503, MONDO:0011233, OMIM 602482.

Allele frequency attached by ClinVar (database versions not stated): gnomAD exomes 0.00002; TOPMed 0.00019; gnomAD 0.00024 and 0.00026.
gnomAD v4.1: 65 of 1,375,370 alleles (0.0047%); highest among the groups gnomAD compares: African/African-American, 0.097%; no homozygotes.

Submissions (3):

PreventionGenetics, part of Exact Sciences
Classification: Uncertain significance for FOXC1-related condition. Last evaluated: 2026-04-30. Review status: criteria provided, single submitter. Criteria: ACMG Guidelines, 2015. Collection method: clinical testing. Allele origin: germline.
Comment: The FOXC1 c.1211C>T variant is predicted to result in the amino acid substitution p.Ala404Val. To our knowledge, this variant has not been reported in the literature. This variant is reported in 0.035% of alleles in individuals of African descent in gnomAD. At this time, the clinical significance of this variant is uncertain due to the absence of conclusive functional and genetic evidence.

Labcorp Genetics (formerly Invitae), Labcorp
Classification: Uncertain significance for Axenfeld-Rieger syndrome type 3. Last evaluated: 2025-10-24. Review status: criteria provided, single submitter. Criteria: Invitae Variant Classification Sherloc (09022015). Collection method: clinical testing. Allele origin: germline.
Comment: This sequence change replaces alanine, which is neutral and non-polar, with valine, which is neutral and non-polar, at codon 404 of the FOXC1 protein (p.Ala404Val). The frequency data for this variant in the population databases is considered unreliable, as metrics indicate poor data quality at this position in the gnomAD database. This variant has not been reported in the literature in individuals affected with FOXC1-related conditions. ClinVar contains an entry for this variant (Variation ID: 1247538). An algorithm developed to predict the effect of missense changes on protein structure and function (PolyPhen-2) suggests that this variant is likely to be tolerated. In summary, the available evidence is currently insufficient to determine the role of this variant in disease. Therefore, it has been classified as a Variant of Uncertain Significance.

GeneDx
Classification: Benign. Last evaluated: 2015-03-03. Review status: criteria provided, single submitter. Criteria: GeneDx Variant Classification Process June 2021. Collection method: clinical testing. Allele origin: germline. Affected: yes.

NM_001453.3(FOXC1):c.1211C>T (p.Ala404Val)

Gene: FOXC1 (forkhead box C1; plus strand). Cytogenetic location: 6p25.3.
Variant type: single nucleotide variant.
Coding change: c.1211C>T on transcript NM_001453.3 (MANE Select); coding-DNA position 1211, C replaced by T.
Protein change: p.Ala404Val; replaces alanine 404 with valine.
Molecular consequence: missense variant.
Genome position (GRCh38, 1-based): chr6:1,611,656, C>T. VCF-style: chr6-1611656-C-T. GRCh37 (hg19) VCF-style: chr6-1611891-C-T.
Other names: short protein forms A404V.
Identifiers: ClinVar variation 1247538 (VCV001247538.8), dbSNP rs865901577, ClinGen allele CA133391162.